The following is an entry in ClinVar:

NM_004247.4(EFTUD2):c.722G>A (p.Arg241Gln)

Gene: EFTUD2 (elongation factor Tu GTP binding domain containing 2; minus strand). Cytogenetic location: 17q21.31.
Variant type: single nucleotide variant.
Coding change: c.722G>A on transcript NM_004247.4 (MANE Select); coding-DNA position 722, G replaced by A.
Protein change: p.Arg241Gln; replaces arginine 241 with glutamine.
Molecular consequence: missense variant.
Genome position (GRCh38, 1-based): chr17:44,876,081, C>T on the plus strand (G>A on the coding strand, the complement: EFTUD2 is on the minus strand). VCF-style: chr17-44876081-C-T. GRCh37 (hg19) VCF-style: chr17-42953449-C-T.
Other names: c.617G>A, p.Arg206Gln (NM_001142605.2); c.722G>A, p.Arg241Gln (NM_001258353.2); c.692G>A, p.Arg231Gln (NM_001258354.2); short protein forms R206Q, R231Q, R241Q.
Identifiers: ClinVar variation 2441185 (VCV002441185.7), dbSNP rs777887810, ClinGen allele CA8607995.

ClinVar aggregate classification (germline): Conflicting classifications of pathogenicity. Review status: criteria provided, conflicting classifications (1 of 4 stars). 3 submissions from 3 submitters: Uncertain significance (2); Likely benign (1). Last evaluated 2025-08-14.

Conditions:
Inborn genetic diseases. Identifiers: MedGen C0950123, MeSH D030342.
Mandibulofacial dysostosis-microcephaly syndrome (MFDGA). Also called: Growth and mental retardation, mandibulofacial dysostosis, microcephaly, and cleft palate; Mandibulofacial dysostosis, Guion-Almeida type. Identifiers: Orphanet 79113, MedGen C1864652, MONDO:0012516, OMIM 610536.

Allele frequency attached by ClinVar (database versions not stated): ExAC 0.00003; gnomAD exomes 0.00003; TOPMed 0.00003; gnomAD 0.00005.

Submissions (3):

Ambry Genetics
Classification: Likely benign for Inborn genetic diseases. Last evaluated: 2025-08-14. Review status: criteria provided, single submitter. Criteria: Ambry Variant Classification Scheme 2023. Collection method: clinical testing. Allele origin: germline.

Labcorp Genetics (formerly Invitae), Labcorp
Classification: Uncertain significance. Last evaluated: 2023-11-12. Review status: criteria provided, single submitter. Criteria: Invitae Variant Classification Sherloc (09022015). Collection method: clinical testing. Allele origin: germline.
Comment: This sequence change replaces arginine, which is basic and polar, with glutamine, which is neutral and polar, at codon 241 of the EFTUD2 protein (p.Arg241Gln). This variant is present in population databases (rs777887810, gnomAD 0.007%). This variant has not been reported in the literature in individuals affected with EFTUD2-related conditions. ClinVar contains an entry for this variant (Variation ID: 2441185). Advanced modeling of protein sequence and biophysical properties (such as structural, functional, and spatial information, amino acid conservation, physicochemical variation, residue mobility, and thermodynamic stability) performed at Invitae indicates that this missense variant is not expected to disrupt EFTUD2 protein function with a negative predictive value of 80%. In summary, the available evidence is currently insufficient to determine the role of this variant in disease. Therefore, it has been classified as a Variant of Uncertain Significance.

Revvity Omics, Revvity
Classification: Uncertain significance for Mandibulofacial dysostosis-microcephaly syndrome. Last evaluated: 2019-09-27. Review status: criteria provided, single submitter. Criteria: ACMG Guidelines, 2015. Collection method: clinical testing. Allele origin: germline.